The following is an entry in ClinVar:

NM_001177316.2(SLC34A3):c.448+2T>C

Gene: SLC34A3 (solute carrier family 34 member 3; plus strand). Cytogenetic location: 9q34.3.
Variant type: single nucleotide variant.
Coding change: c.448+2T>C on transcript NM_001177316.2 (MANE Select); the canonical splice donor site of the intron after coding-DNA position 448, T replaced by C.
Molecular consequence: splice donor variant.
Genome position (GRCh38, 1-based): chr9:137,232,929, T>C. VCF-style: chr9-137232929-T-C. GRCh37 (hg19) VCF-style: chr9-140127381-T-C.
Other names: c.448+2T>C (NM_001177317.2, NM_080877.3, NM_080877.2).
Identifiers: ClinVar variation 3596882 (VCV003596882.3).

ClinVar aggregate classification (germline): Pathogenic/Likely pathogenic. Review status: criteria provided, multiple submitters, no conflicts (2 of 4 stars). 2 submissions from 2 submitters: Pathogenic (1); Likely pathogenic (1). Last evaluated 2024-08-12.

Conditions:
Autosomal recessive hypophosphatemic bone disease (HHRH). Also called: HYPERCALCIURIC RICKETS; Hypophosphatemic rickets with hypercalciuria. Identifiers: Orphanet 157215, MedGen C1853271, MONDO:0009431, OMIM 241530.

gnomAD v4.1: 6 of 1,573,132 alleles (0.00038%); highest among the groups gnomAD compares: Non-Finnish European, 0.00052%; no homozygotes.

Submissions (2):

Labcorp Genetics (formerly Invitae), Labcorp
Classification: Pathogenic. Last evaluated: 2024-08-12. Review status: criteria provided, single submitter. Criteria: Invitae Variant Classification Sherloc (09022015). Collection method: clinical testing. Allele origin: germline.
Comment: This sequence change affects a donor splice site in intron 5 of the SLC34A3 gene. It is expected to disrupt RNA splicing. Variants that disrupt the donor or acceptor splice site typically lead to a loss of protein function (PMID: 16199547), and loss-of-function variants in SLC34A3 are known to be pathogenic (PMID: 16358214, 16358215, 22159077). This variant is not present in population databases (gnomAD no frequency). Disruption of this splice site has been observed in individual(s) with hypophosphatemic rickets with hypercalciuria (PMID: 21344632, 31440709). Algorithms developed to predict the effect of sequence changes on RNA splicing suggest that this variant may disrupt the consensus splice site. For these reasons, this variant has been classified as Pathogenic.

Fulgent Genetics
Classification: Likely pathogenic for Autosomal recessive hypophosphatemic bone disease. Last evaluated: 2024-05-08. Review status: criteria provided, single submitter. Criteria: ACMG Guidelines, 2015. Collection method: clinical testing. Allele origin: germline.

Literature cited by the submitters: PubMed 16199547 (cited by Labcorp Genetics (formerly Invitae), Labcorp); PubMed 16358214 (cited by Labcorp Genetics (formerly Invitae), Labcorp); PubMed 16358215 (cited by Labcorp Genetics (formerly Invitae), Labcorp); PubMed 22159077 (cited by Labcorp Genetics (formerly Invitae), Labcorp); PubMed 21344632 (cited by Labcorp Genetics (formerly Invitae), Labcorp); PubMed 31440709 (cited by Labcorp Genetics (formerly Invitae), Labcorp).